The following is an entry in ClinVar:

NM_001110556.2(FLNA):c.3265A>T (p.Thr1089Ser)

Gene: FLNA (filamin A; minus strand). Cytogenetic location: Xq28.
Variant type: single nucleotide variant.
Coding change: c.3265A>T on transcript NM_001110556.2 (MANE Select); coding-DNA position 3265, A replaced by T.
Protein change: p.Thr1089Ser; replaces threonine 1089 with serine.
Molecular consequence: missense variant.
Genome position (GRCh38, 1-based): chrX:154,360,530, T>A on the plus strand (A>T on the coding strand, the complement: FLNA is on the minus strand). VCF-style: chrX-154360530-T-A. GRCh37 (hg19) VCF-style: chrX-153588898-T-A.
Other names: c.3265A>T, p.Thr1089Ser (NM_001456.4); short protein forms T1089S.
Identifiers: ClinVar variation 4793511 (VCV004793511.1).
Genomic context (GRCh38, chrX:154,360,530, plus strand): 5'-CACAGGGGCCCTCCACCGTCAGGCCCAGGCCACCTGTGCCGGCGCCCTTGGTGTCGATGG[T>A]GAAGCGGGCGGGGGAGCCCGCACTGCCTCCCTGCAGCCCCGGCCCAAACGCCTTCACCTG-3'
Protein context (NP_001104026.1, residues 1079-1099): GGSAGSPARF[Thr1089Ser]IDTKGAGTGG

ClinVar aggregate classification (germline): Uncertain significance (1 of 4 stars; one submission).

Conditions:
Heterotopia, periventricular, X-linked dominant (PVNH1). Also called: PERIVENTRICULAR NODULAR HETEROTOPIA 1; X-linked periventricular heterotopia; PERIVENTRICULAR NODULAR HETEROTOPIA 4; HETEROTOPIA, PERIVENTRICULAR, 1. Identifiers: Orphanet 2149, Orphanet 82004, MedGen C1848213, MONDO:0010233, OMIM 300049.
Melnick-Needles syndrome (MNS). Also called: MELNICK-NEEDLES OSTEODYSPLASTY; OSTEODYSPLASTY OF MELNICK AND NEEDLES; Melnick-Needles Syndrome (FLNA-MNS). Identifiers: Orphanet 2484, MedGen C0025237, MONDO:0010650, OMIM 309350.
Frontometaphyseal dysplasia (FMD1). Identifiers: Orphanet 1826, MedGen C0265293, MONDO:0015942.
Oto-palato-digital syndrome, type II (OPD2). Also called: FACIOPALATOOSSEOUS SYNDROME; OPD II SYNDROME; Otopalatodigital Syndrome Type 2 (FLNA-OPD2); Otopalatodigital Syndrome, Type II. Identifiers: Orphanet 669, Orphanet 90652, MedGen C1844696, MONDO:0010571, OMIM 304120.

gnomAD v4.1: 1 of 1,210,323 alleles (0.000083%); highest among the groups gnomAD compares: Non-Finnish European, 0.00011%; no homozygotes.

Submission:

Labcorp Genetics (formerly Invitae), Labcorp
Classification: Uncertain significance for Oto-palato-digital syndrome, type II; Heterotopia, periventricular, X-linked dominant; Frontometaphyseal dysplasia; Melnick-Needles syndrome. Last evaluated: 2025-05-27. Review status: criteria provided, single submitter. Criteria: Invitae Variant Classification Sherloc (09022015). Collection method: clinical testing. Allele origin: germline.
Comment: This sequence change replaces threonine, which is neutral and polar, with serine, which is neutral and polar, at codon 1089 of the FLNA protein (p.Thr1089Ser). This variant is not present in population databases (gnomAD no frequency). This variant has not been reported in the literature in individuals affected with FLNA-related conditions. Invitae Evidence Modeling of protein sequence and biophysical properties (such as structural, functional, and spatial information, amino acid conservation, physicochemical variation, residue mobility, and thermodynamic stability) indicates that this missense variant is not expected to disrupt FLNA protein function with a negative predictive value of 95%. In summary, the available evidence is currently insufficient to determine the role of this variant in disease. Therefore, it has been classified as a Variant of Uncertain Significance.